The following is an entry in ClinVar:

NM_144999.4(LRRC45):c.1643G>T (p.Arg548Leu)

Gene: LRRC45 (leucine rich repeat containing 45; plus strand). Cytogenetic location: 17q25.3.
Variant type: single nucleotide variant.
Coding change: c.1643G>T on transcript NM_144999.4 (MANE Select); coding-DNA position 1643, G replaced by T.
Protein change: p.Arg548Leu; replaces arginine 548 with leucine.
Molecular consequence: missense variant.
Genome position (GRCh38, 1-based): chr17:82,030,213, G>T. VCF-style: chr17-82030213-G-T. GRCh37 (hg19) VCF-style: chr17-79988089-G-T.
Other names: short protein forms R548L.
Identifiers: ClinVar variation 4981544 (VCV004981544.1).

ClinVar aggregate classification (germline): Uncertain significance (1 of 4 stars; one submission).

Conditions:
LRRC45-related disorder. Also called: LRRC45-related condition.

gnomAD v4.1: 52 of 1,537,172 alleles (0.0034%); highest among the groups gnomAD compares: Non-Finnish European, 0.0042%; no homozygotes.

Submission:

PreventionGenetics, part of Exact Sciences
Classification: Uncertain significance for LRRC45-related condition. Last evaluated: 2026-03-05. Review status: criteria provided, single submitter. Criteria: ACMG Guidelines, 2015. Collection method: clinical testing. Allele origin: germline.
Comment: The LRRC45 c.1643G>T variant is predicted to result in the amino acid substitution p.Arg548Leu. To our knowledge, this variant has not been reported in the literature. This variant is reported in 0.0059% of alleles in individuals of European (Non-Finnish) descent in gnomAD. At this time, the clinical significance of this variant is uncertain due to the absence of conclusive functional and genetic evidence.